The following is an entry in ClinVar:

NM_001330260.2(SCN8A):c.1519G>C (p.Glu507Gln)

Gene: SCN8A (sodium voltage-gated channel alpha subunit 8; plus strand). Cytogenetic location: 12q13.13.
Variant type: single nucleotide variant.
Coding change: c.1519G>C on transcript NM_001330260.2 (MANE Select); coding-DNA position 1519, G replaced by C.
Protein change: p.Glu507Gln; replaces glutamic acid 507 with glutamine.
Molecular consequence: missense variant.
Genome position (GRCh38, 1-based): chr12:51,706,599, G>C. VCF-style: chr12-51706599-G-C. GRCh37 (hg19) VCF-style: chr12-52100383-G-C.
Other names: c.1519G>C, p.Glu507Gln (NM_001177984.3, NM_001369788.1, NM_014191.4); short protein forms E507Q.
Identifiers: ClinVar variation 530531 (VCV000530531.14), dbSNP rs777851383, ClinGen allele CA6571272.

ClinVar aggregate classification (germline): Conflicting classifications of pathogenicity. Review status: criteria provided, conflicting classifications (1 of 4 stars). 4 submissions from 4 submitters: Uncertain significance (2); Likely benign (1). 1 of the submissions does not count toward it. Last evaluated 2025-06-06.

Conditions:
Cognitive impairment with or without cerebellar ataxia (CIAT). Identifiers: MedGen C3280415, MONDO:0013680, OMIM 614306.
Developmental and epileptic encephalopathy. Identifiers: MedGen C5779964, MONDO:0100620.

Allele frequency attached by ClinVar (database versions not stated): gnomAD exomes 0.00001 and 0.00002; TOPMed 0.00003; gnomAD 0.00002; ExAC 0.00001.
gnomAD v4.1: 17 of 1,609,100 alleles (0.0011%); highest among the groups gnomAD compares: Admixed American, 0.0017%; no homozygotes.

Submissions (4):

Revvity Omics, Revvity
Classification: Uncertain significance. Last evaluated: 2025-06-06. Review status: criteria provided, single submitter. Criteria: ACMG Guidelines, 2015. Collection method: clinical testing. Allele origin: germline.

Labcorp Genetics (formerly Invitae), Labcorp
Classification: Uncertain significance for Early-infantile DEE. Last evaluated: 2024-05-06. Review status: criteria provided, single submitter. Criteria: Invitae Variant Classification Sherloc (09022015). Collection method: clinical testing. Allele origin: germline.
Comment: This sequence change replaces glutamic acid, which is acidic and polar, with glutamine, which is neutral and polar, at codon 507 of the SCN8A protein (p.Glu507Gln). This variant is present in population databases (rs777851383, gnomAD 0.003%). This variant has not been reported in the literature in individuals affected with SCN8A-related conditions. ClinVar contains an entry for this variant (Variation ID: 530531). Advanced modeling of protein sequence and biophysical properties (such as structural, functional, and spatial information, amino acid conservation, physicochemical variation, residue mobility, and thermodynamic stability) performed at Invitae indicates that this missense variant is not expected to disrupt SCN8A protein function with a negative predictive value of 95%. In summary, the available evidence is currently insufficient to determine the role of this variant in disease. Therefore, it has been classified as a Variant of Uncertain Significance.

GeneDx
Classification: Likely benign. Last evaluated: 2018-09-19. Review status: criteria provided, single submitter. Criteria: GeneDx Variant Classification Process June 2021. Collection method: clinical testing. Allele origin: germline. Affected: yes.

Clinical Genetics Laboratory, University Hospital Schleswig-Holstein
Classification: Uncertain significance for Cognitive impairment with or without cerebellar ataxia. Last evaluated: 2021-01-15. Review status: no assertion criteria provided. Collection method: clinical testing. Allele origin: unknown. Affected: yes. Not counted in ClinVar's aggregate classification.